The following is an entry in ClinVar:

ClinVar aggregate classification (germline): Uncertain significance (1 of 4 stars; one submission).

Conditions:
Acyl-CoA oxidase deficiency. Also called: Pseudoneonatal adrenoleukodystrophy; Peroxisomal acyl-CoA oxidase deficiency; STRAIGHT-CHAIN ACYL-CoA OXIDASE DEFICIENCY. Identifiers: Orphanet 2971, MedGen C1849678, MONDO:0009919, OMIM 264470. Disease mechanism: loss of function.

Allele frequency attached by ClinVar (database versions not stated): gnomAD exomes below 0.00001.
gnomAD v4.1: 1 of 1,614,200 alleles (0.000062%); highest among the groups gnomAD compares: Non-Finnish European, 0.000085%; no homozygotes.

Submission:

Labcorp Genetics (formerly Invitae), Labcorp
Classification: Uncertain significance for Acyl-CoA oxidase deficiency. Last evaluated: 2022-03-29. Review status: criteria provided, single submitter. Criteria: Invitae Variant Classification Sherloc (09022015). Collection method: clinical testing. Allele origin: germline.
Comment: In summary, the available evidence is currently insufficient to determine the role of this variant in disease. Therefore, it has been classified as a Variant of Uncertain Significance. Algorithms developed to predict the effect of missense changes on protein structure and function output the following: SIFT: "Tolerated"; PolyPhen-2: "Benign"; Align-GVGD: "Class C0". The histidine amino acid residue is found in multiple mammalian species, which suggests that this missense change does not adversely affect protein function. This variant has not been reported in the literature in individuals affected with ACOX1-related conditions. This variant is present in population databases (no rsID available, gnomAD 0.0009%). This sequence change replaces tyrosine, which is neutral and polar, with histidine, which is basic and polar, at codon 565 of the ACOX1 protein (p.Tyr565His).

NM_004035.7(ACOX1):c.1693T>C (p.Tyr565His)

Gene: ACOX1 (acyl-CoA oxidase 1; minus strand). Cytogenetic location: 17q25.1.
Variant type: single nucleotide variant.
Coding change: c.1693T>C on transcript NM_004035.7 (MANE Select); coding-DNA position 1693, T replaced by C.
Protein change: p.Tyr565His; replaces tyrosine 565 with histidine.
Molecular consequence: missense variant.
Genome position (GRCh38, 1-based): chr17:75,949,252, A>G on the plus strand (T>C on the coding strand, the complement: ACOX1 is on the minus strand). VCF-style: chr17-75949252-A-G. GRCh37 (hg19) VCF-style: chr17-73945333-A-G.
Other names: c.1579T>C, p.Tyr527His (NM_001185039.2); c.1693T>C, p.Tyr565His (NM_007292.6); short protein forms Y565H, Y527H.
Identifiers: ClinVar variation 1513061 (VCV001513061.8), dbSNP rs1461902421, ClinGen allele CA401059825.